The following is an entry in ClinVar:

NM_000540.3(RYR1):c.3902G>C (p.Arg1301Pro)

Gene: RYR1 (ryanodine receptor 1; plus strand). Cytogenetic location: 19q13.2.
Variant type: single nucleotide variant.
Coding change: c.3902G>C on transcript NM_000540.3 (MANE Select); coding-DNA position 3902, G replaced by C.
Protein change: p.Arg1301Pro; replaces arginine 1301 with proline.
Molecular consequence: missense variant.
Genome position (GRCh38, 1-based): chr19:38,473,513, G>C. VCF-style: chr19-38473513-G-C. GRCh37 (hg19) VCF-style: chr19-38964153-G-C.
Other names: NM_001042723.2:c.3902G>C; c.3902G>C, p.Arg1301Pro (NM_001042723.2); short protein forms R1301P.
Identifiers: ClinVar variation 4856787 (VCV004856787.1).
Genomic context (GRCh38, chr19:38,473,513, plus strand): 5'-GCCTGGTGGAGATGCTTTTCCTGCGGCTGAGCCTCCCAGTCCAGTTCCACCAGCACTTCC[G>C]CTGCACTGCAGGGGCCACCCCGCTGGCACCTCCTGGCCTGCAGCCCCCCGCCGAGGACGA-3'
Protein context (NP_000531.2, residues 1291-1311): SLPVQFHQHF[Arg1301Pro]CTAGATPLAP

ClinVar aggregate classification (germline): Uncertain significance (3 of 4 stars; one submission).

Conditions:
RYR1-related myopathy. Identifiers: Orphanet 98742, MedGen CN305348, MONDO:0100150.

Submission:

ClinGen Congenital Myopathies Variant Curation Expert Panel, ClinGen
Classification: Uncertain significance for RYR1-related myopathy. Last evaluated: 2025-12-08. Review status: reviewed by expert panel. Criteria: ClinGen CongenMyopathy ACMG Specifications RYR1 AR V2.0.0. Collection method: curation. Allele origin: germline. Inheritance: Autosomal recessive inheritance.
Comment: The NM_000540.3(RYR1):c.3902G>C (p.Arg1301Pro) variant in RYR1 is a missense variant predicted to cause substitution of arginine by proline at amino acid 1301. This variant is absent from gnomAD v4.1.0 (PM2_supporting). The computational predictor REVEL gives a score of 0.627, which is neither above nor below the thresholds predicting a damaging or benign impact on RYR1 function. This variant was identified in trans with a RYR1 exon 32-34 duplication in a child with myopathy (PM3; VCEP Internal Contributor). In summary, this variant meets the criteria to be classified as a variant of uncertain significance for autosomal recessive RYR1-related myopathy based on the ACMG/AMP criteria applied, as specified by the ClinGen Congenital Myopathies VCEP: PM2_supporting, PM3 (VCEP Specifications Version 2.0.0).